The following is an entry in ClinVar:

ClinVar aggregate classification (germline): Likely benign (1 of 4 stars; one submission).

Conditions:
Autosomal recessive osteopetrosis 1. Also called: ALBERS-SCHONBERG DISEASE, AUTOSOMAL RECESSIVE; TCIRG1-Related Osteopetrosis; TCIRG1-Related Autosomal Recessive Osteopetrosis. Identifiers: Orphanet 667, MedGen C1850127, MONDO:0009815, OMIM 259700.

Allele frequency attached by ClinVar (database versions not stated): 1000 Genomes Project 0.00220; 1000 Genomes Project 30x 0.00265; TOPMed 0.00456; gnomAD 0.00533 and 0.00538; gnomAD exomes 0.00741.
gnomAD v4.1: 11,006 of 1,540,868 alleles (0.71%); highest among the groups gnomAD compares: Non-Finnish European, 0.85%; 59 homozygotes.

Submission:

Illumina Laboratory Services, Illumina
Classification: Likely benign for Autosomal recessive osteopetrosis 1. Last evaluated: 2018-01-12. Review status: criteria provided, single submitter. Criteria: ICSL Variant Classification Criteria 13 December 2019. Collection method: clinical testing. Allele origin: germline.
Comment: This variant was observed in the ICSL laboratory as part of a predisposition screen in an ostensibly healthy population. It had not been previously curated by ICSL or reported in the Human Gene Mutation Database (HGMD: prior to June 1st, 2018), and was therefore a candidate for classification through an automated scoring system. Utilizing variant allele frequency, disease prevalence and penetrance estimates, and inheritance mode, an automated score was calculated to assess if this variant is too frequent to cause the disease. Based on the score and internal cut-off values, a variant classified as likely benign is not then subjected to further curation. The score for this variant resulted in a classification of likely benign for this disease.

NM_006019.4(TCIRG1):c.*68G>A

Gene: TCIRG1 (T cell immune regulator 1, ATPase H+ transporting V0 subunit a3; plus strand). Cytogenetic location: 11q13.2.
Variant type: single nucleotide variant.
Coding change: c.*68G>A on transcript NM_006019.4 (MANE Select); 68 bases downstream of the stop codon, G replaced by A.
Molecular consequence: 3 prime UTR variant.
Genome position (GRCh38, 1-based): chr11:68,050,887, G>A. VCF-style: chr11-68050887-G-A. GRCh37 (hg19) VCF-style: chr11-67818354-G-A.
Other names: c.*68G>A (NM_001351059.2, NM_006053.4).
Identifiers: ClinVar variation 305826 (VCV000305826.5), dbSNP rs139720520, ClinGen allele CA10639261.